The following is an entry in ClinVar:

NM_052947.4(ALPK2):c.4523G>A (p.Cys1508Tyr)

Genes: ALPK2 (alpha kinase 2; minus strand), LOC126862764 (BRD4-independent group 4 enhancer GRCh37_chr18:56202574-56203773; plus strand). Cytogenetic location: 18q21.31.
Variant type: single nucleotide variant.
Coding change: c.4523G>A on transcript NM_052947.4 (MANE Select); coding-DNA position 4523, G replaced by A.
Protein change: p.Cys1508Tyr; replaces cysteine 1508 with tyrosine.
Molecular consequence: missense variant.
Genome position (GRCh38, 1-based): chr18:58,535,664, C>T on the plus strand (G>A on the coding strand, the complement: ALPK2 is on the minus strand). VCF-style: chr18-58535664-C-T. GRCh37 (hg19) VCF-style: chr18-56202896-C-T.
Other names: short protein forms C1508Y.
Identifiers: ClinVar variation 1741228 (VCV001741228.2), dbSNP rs1291627985, ClinGen allele CA402561837.
Genomic context (GRCh38, chr18:58,535,664, plus strand): 5'-TTGCTTTGCTCAGCCTCCCCTAAGCTCCCATCACTGCTTTCTTGTATTTGGCCTATGCTA[C>T]ATCCACTTGGAATTCTTTCACCGCCTTCGCTGGGTTGCAGGACTTGCCAAATGGCAGTTT-3'
Protein context (NP_443179.3, residues 1498-1518): SEGGERIPSG[Cys1508Tyr]SIGQIQESSD

ClinVar aggregate classification (germline): Uncertain significance (1 of 4 stars; one submission).

gnomAD v4.1: 1 of 1,614,250 alleles (0.000062%); no homozygotes.

Submission:

Ambry Genetics
Classification: Uncertain significance. Last evaluated: 2021-09-17. Review status: criteria provided, single submitter. Criteria: Ambry Variant Classification Scheme 2023. Collection method: clinical testing. Allele origin: germline.
Comment: The p.C1508Y variant (also known as c.4523G>A), located in coding exon 4 of the ALPK2 gene, results from a G to A substitution at nucleotide position 4523. The cysteine at codon 1508 is replaced by tyrosine, an amino acid with highly dissimilar properties. This amino acid position is conserved. In addition, this alteration is predicted to be tolerated by in silico analysis. Since supporting evidence is limited at this time, the clinical significance of this alteration remains unclear.